The following is an entry in ClinVar:

ClinVar aggregate classification (germline): Uncertain significance (1 of 4 stars; one submission).

Submission:

Women's Health and Genetics/Laboratory Corporation of America, LabCorp
Classification: Uncertain significance. Last evaluated: 2025-12-22. Review status: criteria provided, single submitter. Criteria: LabCorp Variant Classification Summary - May 2015. Collection method: clinical testing. Allele origin: germline.
Comment: Variant summary: DNMT3B c.2476C>G (p.Arg826Gly) results in a non-conservative amino acid change in the encoded protein sequence. Algorithms developed to predict the effect of missense changes on protein structure and function are either unavailable or do not agree on the potential impact of this missense change. The variant was absent in 251400 control chromosomes. To our knowledge, no occurrence of c.2476C>G in individuals affected with DNMT3B-related conditions and no experimental evidence demonstrating its impact on protein function have been reported. At least 2 different variant affecting the same codon have been classified as likely pathogenic/pathogenic by our lab (c.2476C>T, p.Arg826Cys and c.2477G>A, p.Arg826His), supporting the critical relevance of codon 826 to DNMT3B protein function. No submitters have cited clinical-significance assessments for this variant to ClinVar. Based on the evidence outlined above, the variant was classified as VUS-possibly pathogenic.

NM_006892.4(DNMT3B):c.2476C>G (p.Arg826Gly)

Gene: DNMT3B (DNA methyltransferase 3 beta; plus strand). Cytogenetic location: 20q11.21.
Variant type: single nucleotide variant.
Coding change: c.2476C>G on transcript NM_006892.4 (MANE Select); coding-DNA position 2476, C replaced by G.
Protein change: p.Arg826Gly; replaces arginine 826 with glycine.
Molecular consequence: missense variant.
Genome position (GRCh38, 1-based): chr20:32,807,817, C>G. VCF-style: chr20-32807817-C-G. GRCh37 (hg19) VCF-style: chr20-31395623-C-G.
Other names: c.2101C>G, p.Arg701Gly (NM_001207055.2); c.1999C>G, p.Arg667Gly (NM_001207056.2); c.2357C>G, p.Pro786Arg (NM_001424351.1); c.2350C>G, p.Arg784Gly (NM_001424352.1); c.2297C>G, p.Pro766Arg (NM_001424353.1); c.2290C>G, p.Arg764Gly (NM_001424354.1); c.2287C>G, p.Arg763Gly (NM_001424355.1); c.2231C>G, p.Pro744Arg (NM_001424356.1); and 7 more; short protein forms P724R, P744R, P766R, P786R, R667G, R701G, R713G, R721G.
Identifiers: ClinVar variation 4688912 (VCV004688912.1).
Genomic context (GRCh38, chr20:32,807,817, plus strand): 5'-CCCAGGATCTTTGGCTTTCCTGTGCACTACACAGACGTGTCCAACATGGGCCGTGGTGCC[C>G]GCCAGAAGCTGCTGGGAAGGTCCTGGAGCGTGCCTGTCATCCGACACCTCTTCGCCCCTC-3'
Protein context (NP_008823.1, residues 816-836): TDVSNMGRGA[Arg826Gly]QKLLGRSWSV